The following is an entry in ClinVar:

NM_152365.3(KDF1):c.568G>A (p.Glu190Lys)

Gene: KDF1 (keratinocyte differentiation factor 1; minus strand). Cytogenetic location: 1p36.11.
Variant type: single nucleotide variant.
Coding change: c.568G>A on transcript NM_152365.3 (MANE Select); coding-DNA position 568, G replaced by A.
Protein change: p.Glu190Lys; replaces glutamic acid 190 with lysine.
Molecular consequence: missense variant.
Genome position (GRCh38, 1-based): chr1:26,951,813, C>T on the plus strand (G>A on the coding strand, the complement: KDF1 is on the minus strand). VCF-style: chr1-26951813-C-T. GRCh37 (hg19) VCF-style: chr1-27278304-C-T.
Other names: short protein forms E190K.
Identifiers: ClinVar variation 2396191 (VCV002396191.3), dbSNP rs746444382, ClinGen allele CA710280.

ClinVar aggregate classification (germline): Uncertain significance. Review status: criteria provided, multiple submitters, no conflicts (2 of 4 stars). 2 submissions from 2 submitters: Uncertain significance (2). Last evaluated 2025-06-23.

Conditions:
Inborn genetic diseases. Identifiers: MedGen C0950123, MeSH D030342.

Allele frequency attached by ClinVar (database versions not stated): gnomAD 0.00001; ExAC 0.00002; gnomAD exomes 0.00002.

Submissions (2):

Centre of Medical Genetics, University Hospital Muenster
Classification: Uncertain significance. Last evaluated: 2025-06-23. Review status: criteria provided, single submitter. Criteria: ACMG Guidelines, 2015. Collection method: clinical testing. Allele origin: unknown. Affected: yes. Observed: 1 variant allele, 1 heterozygote.
Comment: ACMG categories: PM2_sup

Ambry Genetics
Classification: Uncertain significance for Inborn genetic diseases. Last evaluated: 2022-12-01. Review status: criteria provided, single submitter. Criteria: Ambry Variant Classification Scheme 2023. Collection method: clinical testing. Allele origin: germline.